The following is an entry in ClinVar:

ClinVar aggregate classification (germline): Uncertain significance (1 of 4 stars; one submission).

Submission:

Labcorp Genetics (formerly Invitae), Labcorp
Classification: Uncertain significance. Last evaluated: 2022-07-06. Review status: criteria provided, single submitter. Criteria: Invitae Variant Classification Sherloc (09022015). Collection method: clinical testing. Allele origin: germline.
Comment: This sequence change falls in intron 4 of the TARS2 gene. It does not directly change the encoded amino acid sequence of the TARS2 protein. This variant is not present in population databases (gnomAD no frequency). This variant has not been reported in the literature in individuals affected with TARS2-related conditions. Algorithms developed to predict the effect of sequence changes on RNA splicing suggest that this variant may create or strengthen a splice site. In summary, the available evidence is currently insufficient to determine the role of this variant in disease. Therefore, it has been classified as a Variant of Uncertain Significance.

NM_025150.5(TARS2):c.513-5del

Gene: TARS2 (threonyl-tRNA synthetase 2, mitochondrial; plus strand). Cytogenetic location: 1q21.2.
Variant type: Deletion.
Coding change: c.513-5del on transcript NM_025150.5 (MANE Select); 5 bases into the intron before coding-DNA position 513, one base deleted (T; older notation c.513-5delT).
Molecular consequence: intron variant.
Genome position (GRCh38, 1-based): chr1:150,491,389, T deleted; the last of 3 consecutive T bases (chr1:150,491,387-150,491,389); deleting any one gives the same sequence. VCF-style (leftmost placement, unchanged base first): chr1-150491386-CT-C. GRCh37 (hg19) VCF-style: chr1-150463862-CT-C.
Other names: c.513-5del (NM_001271895.2, NM_001271896.2).
Identifiers: ClinVar variation 2014619 (VCV002014619.4), dbSNP rs2526268513, ClinGen allele CA2580060967.